The following is an entry in ClinVar:

ClinVar aggregate classification (germline): Pathogenic. Review status: criteria provided, multiple submitters, no conflicts (2 of 4 stars). 2 submissions from 2 submitters: Pathogenic (2). Last evaluated 2024-02-27.

Conditions:
Methylmalonic aciduria due to complete methylmalonyl-CoA mutase deficiency.
Methylmalonic aciduria due to methylmalonyl-CoA mutase deficiency (MAMM). Also called: Methylmalonic aciduria, mut type. Identifiers: Orphanet 27, MedGen C1855114, MONDO:0009612, OMIM 251000.

Submissions (2):

Natera, Inc.
Classification: Pathogenic for Methylmalonic aciduria due to complete methylmalonyl-CoA mutase deficiency. Last evaluated: 2024-02-27. Review status: criteria provided, single submitter. Criteria: Natera Variant Classification Schema (03/2026). Collection method: clinical testing. Allele origin: germline.
Comment: The c.927G>A variant in MMUT is a nonsense variant predicted to introduce a stop codon at amino acid 309. This variant is expected to result in nonsense mediated decay, truncation, or a dysfunctional protein product. This variant is rare in the general population with a frequency below the threshold expected for the associated phenotype(s). This variant has been observed in one or more individuals affected with the associated recessive disease, as either homozygous or compound heterozygous with a second variant (PMID: 31792768, 27167370). Given the available evidence, this variant is classified as Pathogenic.

University Children's Hospital, University of Zurich
Classification: Pathogenic for Methylmalonic aciduria due to methylmalonyl-CoA mutase deficiency. Review status: criteria provided, single submitter. Criteria: Forny et al. (Hum Mutat. 2016). Collection method: clinical testing. Allele origin: germline. Inheritance: Autosomal recessive inheritance. Affected: yes.

Literature cited by the submitters: PubMed 31792768 (cited by Natera, Inc.); PubMed 27167370 (cited by Natera, Inc.); PubMed 25736335 (cited by University Children's Hospital, University of Zurich).

NM_000255.4(MMUT):c.927G>A (p.Trp309Ter)

Gene: MMUT (methylmalonyl-CoA mutase; minus strand). Cytogenetic location: 6p12.3.
Variant type: single nucleotide variant.
Coding change: c.927G>A on transcript NM_000255.4 (MANE Select); coding-DNA position 927, G replaced by A.
Protein change: p.Trp309Ter; replaces tryptophan 309 with a stop codon.
Molecular consequence: nonsense.
Genome position (GRCh38, 1-based): chr6:49,453,741, C>T on the plus strand (G>A on the coding strand, the complement: MMUT is on the minus strand). VCF-style: chr6-49453741-C-T. GRCh37 (hg19) VCF-style: chr6-49421454-C-T.
Other names: short protein forms W309*.
Identifiers: ClinVar variation 222924 (VCV000222924.3), dbSNP rs879253836, ClinGen allele CA10575873.